The following is an entry in ClinVar:

ClinVar aggregate classification (germline): Uncertain significance (1 of 4 stars; one submission).

Allele frequency attached by ClinVar (database versions not stated): TOPMed 0.00001; gnomAD 0.00002 and 0.00003.
gnomAD v4.1: 3 of 1,613,214 alleles (0.00019%); highest among the groups gnomAD compares: African/African-American, 0.004%; no homozygotes.

Submission:

Labcorp Genetics (formerly Invitae), Labcorp
Classification: Uncertain significance. Last evaluated: 2022-02-02. Review status: criteria provided, single submitter. Criteria: Invitae Variant Classification Sherloc (09022015). Collection method: clinical testing. Allele origin: germline.
Comment: In summary, the available evidence is currently insufficient to determine the role of this variant in disease. Therefore, it has been classified as a Variant of Uncertain Significance. Algorithms developed to predict the effect of missense changes on protein structure and function are either unavailable or do not agree on the potential impact of this missense change (SIFT: "Deleterious"; PolyPhen-2: "Benign"; Align-GVGD: "Class C0"). This variant has not been reported in the literature in individuals affected with MPDZ-related conditions. This variant is not present in population databases (gnomAD no frequency). This sequence change replaces isoleucine, which is neutral and non-polar, with leucine, which is neutral and non-polar, at codon 781 of the MPDZ protein (p.Ile781Leu).

NM_001378778.1(MPDZ):c.2341A>T (p.Ile781Leu)

Gene: MPDZ (multiple PDZ domain crumbs cell polarity complex component; minus strand). Cytogenetic location: 9p23.
Variant type: single nucleotide variant.
Coding change: c.2341A>T on transcript NM_001378778.1 (MANE Select); coding-DNA position 2341, A replaced by T.
Protein change: p.Ile781Leu; replaces isoleucine 781 with leucine.
Molecular consequence: missense variant.
Genome position (GRCh38, 1-based): chr9:13,188,807, T>A on the plus strand (A>T on the coding strand, the complement: MPDZ is on the minus strand). VCF-style: chr9-13188807-T-A. GRCh37 (hg19) VCF-style: chr9-13188806-T-A.
Other names: c.2341A>T, p.Ile781Leu (NM_001261406.2, NM_001261407.2, NM_001330637.2 and 14 more transcripts); short protein forms I781L.
Identifiers: ClinVar variation 1506101 (VCV001506101.6), dbSNP rs1289135760, ClinGen allele CA372937223.
Genomic context (GRCh38, chr9:13,188,807, plus strand): 5'-TAAATATAAAGGGAAGCAATAAAGTCTGAATTCTTACGGGTAAAGGCTTAGCAACTCCTA[T>A]TCTCACAGTCCCTGACGGTGCTCCCTTCAGTGCTTCTACAGCTTCCTCAAGACTGCTGTT-3'
Protein context (NP_001365707.1, residues 771-791): LKGAPSGTVR[Ile781Leu]GVAKPLPLSP